The following is an entry in ClinVar:

NM_000260.4(MYO7A):c.3503+9C>T

Gene: MYO7A (myosin VIIA; plus strand). Cytogenetic location: 11q13.5.
Variant type: single nucleotide variant.
Coding change: c.3503+9C>T on transcript NM_000260.4 (MANE Select); 9 bases into the intron after coding-DNA position 3503, C replaced by T.
Molecular consequence: intron variant.
Genome position (GRCh38, 1-based): chr11:77,184,724, C>T. VCF-style: chr11-77184724-C-T. GRCh37 (hg19) VCF-style: chr11-76895769-C-T.
Other names: c.3470+9C>T (NM_001369365.1); c.3503+9C>T (NM_001127180.2).
Identifiers: ClinVar variation 505148 (VCV000505148.18), dbSNP rs1481745974, ClinGen allele CA6198076.

ClinVar aggregate classification (germline): Conflicting classifications of pathogenicity. Review status: criteria provided, conflicting classifications (1 of 4 stars). 5 submissions from 5 submitters: Uncertain significance (1); Likely benign (4). Last evaluated 2025-04-29.

Conditions:
MYO7A-related disorder. Also called: MYO7A-related disorders.

Allele frequency attached by ClinVar (database versions not stated): ExAC 0.00004; gnomAD 0.00006 and 0.00008; gnomAD exomes 0.00008 and 0.00014.
gnomAD v4.1: 213 of 1,553,864 alleles (0.014%); highest among the groups gnomAD compares: Middle Eastern, 0.067%; 1 homozygote.

Submissions (5):

PreventionGenetics, part of Exact Sciences
Classification: Likely benign for MYO7A-related condition. Last evaluated: 2025-04-29. Review status: criteria provided, single submitter. Criteria: ACMG Guidelines, 2015. Collection method: clinical testing. Allele origin: germline.
Comment: This variant is classified as likely benign based on ACMG/AMP sequence variant interpretation guidelines (Richards et al. 2015 PMID: 25741868, with internal and published modifications).

Labcorp Genetics (formerly Invitae), Labcorp
Classification: Likely benign. Last evaluated: 2024-09-14. Review status: criteria provided, single submitter. Criteria: Invitae Variant Classification Sherloc (09022015). Collection method: clinical testing. Allele origin: germline.

Blueprint Genetics
Classification: Likely benign. Last evaluated: 2023-08-09. Review status: criteria provided, single submitter. Criteria: ACMG Guidelines, 2015. Collection method: clinical testing. Allele origin: germline.

GeneDx
Classification: Uncertain significance. Last evaluated: 2019-07-11. Review status: criteria provided, single submitter. Criteria: GeneDx Variant Classification Process June 2021. Collection method: clinical testing. Allele origin: germline. Affected: yes.
Comment: In silico analysis, which includes splice predictors and evolutionary conservation, supports that this variant does not alter protein structure/function; Has not been previously published as pathogenic or benign to our knowledge

Laboratory for Molecular Medicine, Mass General Brigham Personalized Medicine
Classification: Likely benign. Last evaluated: 2016-06-23. Review status: criteria provided, single submitter. Criteria: LMM Criteria. Collection method: clinical testing. Allele origin: germline. Observed: 1 variant allele.
Comment: p.Pro1171Leu in exon 27A of MYO7A: This variant is not expected to have clinical significance because the proline (Pro) at position 1171 is not conserved in mam mals or evolutionarily distant species with 3 mammals (marmoset, squirrel monkey , Guinea pig) carry a leucine (Leu) at this position. It has also been identifi ed in 2/30018 of European chromosomes by the Exome Aggregation Consortium (ExAC). Of note, the variant results in a missense var iant in only 1 transcript isoform of MYO7A (NM_001127179.2) and lies in an intro nic region in all other transcript isoforms of the gene.